The following is an entry in ClinVar:

NM_001372044.2(SHANK3):c.3056C>G (p.Pro1019Arg)

Gene: SHANK3 (SH3 and multiple ankyrin repeat domains 3; plus strand). Cytogenetic location: 22q13.33.
Variant type: single nucleotide variant.
Coding change: c.3056C>G on transcript NM_001372044.2 (MANE Select); coding-DNA position 3056, C replaced by G.
Protein change: p.Pro1019Arg; replaces proline 1019 with arginine.
Molecular consequence: missense variant.
Genome position (GRCh38, 1-based): chr22:50,720,664, C>G. VCF-style: chr22-50720664-C-G. GRCh37 (hg19) VCF-style: chr22-51159092-C-G.
Other names: c.2831C>G (NM_033517.1); short protein forms P1019R.
Identifiers: ClinVar variation 4864493 (VCV004864493.1).

ClinVar aggregate classification (germline): Uncertain significance (1 of 4 stars; one submission).

Conditions:
Inborn genetic diseases. Identifiers: MedGen C0950123, MeSH D030342.

Submission:

Ambry Genetics
Classification: Uncertain significance for Inborn genetic diseases. Last evaluated: 2026-05-23. Review status: criteria provided, single submitter. Criteria: Ambry Variant Classification Scheme 2023. Collection method: clinical testing. Allele origin: germline.
Comment: The c.2831C>G (p.P944R) alteration is located in exon 21 (coding exon 21) of the SHANK3 gene. This alteration results from a C to G substitution at nucleotide position 2831, causing the proline (P) at amino acid position 944 to be replaced by an arginine (R). Based on data from gnomAD, the G allele has an overall frequency of 0.001% (1/82572) total alleles studied. The highest observed frequency was 0.006% (1/17464) of South Asian alleles. Based on insufficient or conflicting evidence, the clinical significance of this alteration remains unclear.